The following is an entry in ClinVar:

ClinVar aggregate classification (germline): Pathogenic (1 of 4 stars; one submission).

Allele frequency attached by ClinVar (database versions not stated): gnomAD exomes below 0.00001.
gnomAD v4.1: 3 of 1,613,730 alleles (0.00019%); highest among the groups gnomAD compares: Non-Finnish European, 0.00025%; no homozygotes.

Submission:

Labcorp Genetics (formerly Invitae), Labcorp
Classification: Pathogenic. Last evaluated: 2022-08-16. Review status: criteria provided, single submitter. Criteria: Invitae Variant Classification Sherloc (09022015). Collection method: clinical testing. Allele origin: germline.
Comment: This variant has not been reported in the literature in individuals affected with HERC1-related conditions. For these reasons, this variant has been classified as Pathogenic. This variant is not present in population databases (gnomAD no frequency). This sequence change creates a premature translational stop signal (p.Arg2568*) in the HERC1 gene. It is expected to result in an absent or disrupted protein product. Loss-of-function variants in HERC1 are known to be pathogenic (PMID: 26138117, 26153217, 27108999).

Literature cited by the submitters: PubMed 26138117; PubMed 26153217; PubMed 27108999.

NM_003922.4(HERC1):c.7702C>T (p.Arg2568Ter)

Gene: HERC1 (HECT and RLD domain containing E3 ubiquitin protein ligase family member 1; minus strand). Cytogenetic location: 15q22.31.
Variant type: single nucleotide variant.
Coding change: c.7702C>T on transcript NM_003922.4 (MANE Select); coding-DNA position 7702, C replaced by T.
Protein change: p.Arg2568Ter; replaces arginine 2568 with a stop codon.
Molecular consequence: nonsense.
Genome position (GRCh38, 1-based): chr15:63,674,486, G>A on the plus strand (C>T on the coding strand, the complement: HERC1 is on the minus strand). VCF-style: chr15-63674486-G-A. GRCh37 (hg19) VCF-style: chr15-63966685-G-A.
Other names: short protein forms R2568*.
Identifiers: ClinVar variation 1986254 (VCV001986254.4), dbSNP rs2551345158, ClinGen allele CA392764959.